The following is an entry in ClinVar:

NM_020207.7(ERCC6L2):c.95G>C (p.Gly32Ala)

Gene: ERCC6L2 (ERCC excision repair 6 like 2; plus strand). Cytogenetic location: 9q22.32.
Variant type: single nucleotide variant.
Coding change: c.95G>C on transcript NM_020207.7 (MANE Select); coding-DNA position 95, G replaced by C.
Protein change: p.Gly32Ala; replaces glycine 32 with alanine.
Molecular consequence: missense variant. On other transcripts: non-coding transcript variant (1).
Genome position (GRCh38, 1-based): chr9:95,880,917, G>C. VCF-style: chr9-95880917-G-C. GRCh37 (hg19) VCF-style: chr9-98643199-G-C.
Other names: c.95G>C, p.Gly32Ala (NM_001010895.4, NM_001375291.1, NM_001375292.1 and 2 more transcripts); short protein forms G32A.
Identifiers: ClinVar variation 2796033 (VCV002796033.4), dbSNP rs770701064, ClinGen allele CA5139241.

ClinVar aggregate classification (germline): Uncertain significance. Review status: criteria provided, multiple submitters, no conflicts (2 of 4 stars). 2 submissions from 2 submitters: Uncertain significance (2). Last evaluated 2025-10-01.

Conditions:
Inborn genetic diseases. Identifiers: MedGen C0950123, MeSH D030342.

Allele frequency attached by ClinVar (database versions not stated): gnomAD exomes below 0.00001; ExAC 0.00002.
gnomAD v4.1: 2 of 1,613,586 alleles (0.00012%); highest among the groups gnomAD compares: South Asian, 0.0022%; no homozygotes.

Submissions (2):

Ambry Genetics
Classification: Uncertain significance for Inborn genetic diseases. Last evaluated: 2025-10-01. Review status: criteria provided, single submitter. Criteria: Ambry Variant Classification Scheme 2023. Collection method: clinical testing. Allele origin: germline.
Comment: The p.G32A variant (also known as c.95G>C), located in coding exon 2 of the ERCC6L2 gene, results from a G to C substitution at nucleotide position 95. The glycine at codon 32 is replaced by alanine, an amino acid with similar properties. This amino acid position is conserved. In addition, this alteration is predicted to be tolerated by in silico analysis. Based on the available evidence, the clinical significance of this variant remains unclear.

Labcorp Genetics (formerly Invitae), Labcorp
Classification: Uncertain significance. Last evaluated: 2024-01-25. Review status: criteria provided, single submitter. Criteria: Invitae Variant Classification Sherloc (09022015). Collection method: clinical testing. Allele origin: germline.
Comment: This sequence change replaces glycine, which is neutral and non-polar, with alanine, which is neutral and non-polar, at codon 43 of the ERCC6L2 protein (p.Gly43Ala). This variant is present in population databases (rs770701064, gnomAD 0.003%). This variant has not been reported in the literature in individuals affected with ERCC6L2-related conditions. Experimental studies and prediction algorithms are not available or were not evaluated, and the functional significance of this variant is currently unknown. In summary, the available evidence is currently insufficient to determine the role of this variant in disease. Therefore, it has been classified as a Variant of Uncertain Significance.